The following is an entry in ClinVar:

NM_005612.5(REST):c.2819C>T (p.Thr940Ile)

Gene: REST (RE1 silencing transcription factor; plus strand). Cytogenetic location: 4q12.
Variant type: single nucleotide variant.
Coding change: c.2819C>T on transcript NM_005612.5 (MANE Select); coding-DNA position 2819, C replaced by T.
Protein change: p.Thr940Ile; replaces threonine 940 with isoleucine.
Molecular consequence: missense variant.
Genome position (GRCh38, 1-based): chr4:56,931,677, C>T. VCF-style: chr4-56931677-C-T. GRCh37 (hg19) VCF-style: chr4-57797843-C-T.
Other names: c.2819C>T, p.Thr940Ile (NM_001193508.2, NM_001363453.3); short protein forms T940I.
Identifiers: ClinVar variation 2170378 (VCV002170378.4), dbSNP rs889882721, ClinGen allele CA97637397.
Genomic context (GRCh38, chr4:56,931,677, plus strand): 5'-CATCCTCTGGACAAAACTTGAATACGCCAGAGGGTGAAACTTTAAATGGTAAACATCAGA[C>T]TGACAGTATAGTTTGTGAAATGAAAATGGACACTGATCAGAACACAAGAGAGAATCTCAC-3'
Protein context (NP_005603.3, residues 930-950): EGETLNGKHQ[Thr940Ile]DSIVCEMKMD

ClinVar aggregate classification (germline): Uncertain significance (1 of 4 stars; one submission).

Allele frequency attached by ClinVar (database versions not stated): gnomAD exomes 0.00002; gnomAD 0.00001; TOPMed 0.00001.
gnomAD v4.1: 31 of 1,614,108 alleles (0.0019%); highest among the groups gnomAD compares: Non-Finnish European, 0.0023%; no homozygotes.

Submission:

Labcorp Genetics (formerly Invitae), Labcorp
Classification: Uncertain significance. Last evaluated: 2022-02-12. Review status: criteria provided, single submitter. Criteria: Invitae Variant Classification Sherloc (09022015). Collection method: clinical testing. Allele origin: germline.
Comment: In summary, the available evidence is currently insufficient to determine the role of this variant in disease. Therefore, it has been classified as a Variant of Uncertain Significance. Algorithms developed to predict the effect of missense changes on protein structure and function are either unavailable or do not agree on the potential impact of this missense change (SIFT: "Deleterious"; PolyPhen-2: "Benign"; Align-GVGD: "Class C0"). This variant has not been reported in the literature in individuals affected with REST-related conditions. This variant is present in population databases (no rsID available, gnomAD 0.004%). This sequence change replaces threonine, which is neutral and polar, with isoleucine, which is neutral and non-polar, at codon 940 of the REST protein (p.Thr940Ile).